The following is an entry in ClinVar:

ClinVar aggregate classification (germline): Uncertain significance. Review status: criteria provided, multiple submitters, no conflicts (2 of 4 stars). 2 submissions from 2 submitters: Uncertain significance (2). Last evaluated 2023-12-17.

Submissions (2):

Ambry Genetics
Classification: Uncertain significance. Last evaluated: 2023-12-17. Review status: criteria provided, single submitter. Criteria: Ambry Variant Classification Scheme 2023. Collection method: clinical testing. Allele origin: germline.

Labcorp Genetics (formerly Invitae), Labcorp
Classification: Uncertain significance. Last evaluated: 2022-09-27. Review status: criteria provided, single submitter. Criteria: Invitae Variant Classification Sherloc (09022015). Collection method: clinical testing. Allele origin: germline.
Comment: In summary, the available evidence is currently insufficient to determine the role of this variant in disease. Therefore, it has been classified as a Variant of Uncertain Significance. Algorithms developed to predict the effect of missense changes on protein structure and function are either unavailable or do not agree on the potential impact of this missense change (SIFT: "Deleterious"; PolyPhen-2: "Benign"; Align-GVGD: "Class C0"). This variant has not been reported in the literature in individuals affected with SLC30A7-related conditions. This variant is present in population databases (no rsID available, gnomAD 0.009%). This sequence change replaces histidine, which is basic and polar, with arginine, which is basic and polar, at codon 216 of the SLC30A7 protein (p.His216Arg).

NM_133496.5(SLC30A7):c.647A>G (p.His216Arg)

Gene: SLC30A7 (solute carrier family 30 member 7; plus strand). Cytogenetic location: 1p21.2.
Variant type: single nucleotide variant.
Coding change: c.647A>G on transcript NM_133496.5 (MANE Select); coding-DNA position 647, A replaced by G.
Protein change: p.His216Arg; replaces histidine 216 with arginine.
Molecular consequence: missense variant.
Genome position (GRCh38, 1-based): chr1:100,913,798, A>G. VCF-style: chr1-100913798-A-G. GRCh37 (hg19) VCF-style: chr1-101379354-A-G.
Other names: c.647A>G (NM_133496.4); c.647A>G, p.His216Arg (NM_001144884.2); short protein forms H216R.
Identifiers: ClinVar variation 2178805 (VCV002178805.5), dbSNP rs1047924461, ClinGen allele CA27687543.